The following is an entry in ClinVar:

NM_001079843.3(CASZ1):c.4539G>T (p.Thr1513=)

Gene: CASZ1 (castor zinc finger 1; minus strand). Cytogenetic location: 1p36.22.
Variant type: single nucleotide variant.
Coding change: c.4539G>T on transcript NM_001079843.3 (MANE Select); coding-DNA position 4539, G replaced by T.
Protein change: p.Thr1513=; no amino-acid change (threonine 1513 retained).
Molecular consequence: synonymous variant.
Genome position (GRCh38, 1-based): chr1:10,639,683, C>A on the plus strand (G>T on the coding strand, the complement: CASZ1 is on the minus strand). VCF-style: chr1-10639683-C-A. GRCh37 (hg19) VCF-style: chr1-10699740-C-A.
Identifiers: ClinVar variation 1664278 (VCV001664278.17), dbSNP rs201529118, ClinGen allele CA584147.

ClinVar aggregate classification (germline): Benign/Likely benign. Review status: criteria provided, multiple submitters, no conflicts (2 of 4 stars). 3 submissions from 3 submitters: Benign (1); Likely benign (2). Last evaluated 2026-03-01.

Allele frequency attached by ClinVar (database versions not stated): ESP Exome Variant Server 0.00256; 1000 Genomes Project 0.00479; 1000 Genomes Project 30x 0.00562.
gnomAD v4.1: 844 of 1,598,370 alleles (0.053%); highest among the groups gnomAD compares: African/African-American, 0.99%; 4 homozygotes.

Submissions (3):

CeGaT Center for Human Genetics Tuebingen
Classification: Likely benign. Last evaluated: 2026-03-01. Review status: criteria provided, single submitter. Criteria: CeGaT Center For Human Genetics Tuebingen Variant Classification Criteria Version 2. Collection method: clinical testing. Allele origin: germline. Affected: yes. Observed: 2 variant alleles.
Comment: CASZ1: BP4, BP7

Labcorp Genetics (formerly Invitae), Labcorp
Classification: Benign. Last evaluated: 2025-10-04. Review status: criteria provided, single submitter. Criteria: Invitae Variant Classification Sherloc (09022015). Collection method: clinical testing. Allele origin: germline.

Blueprint Genetics
Classification: Likely benign. Last evaluated: 2024-11-25. Review status: criteria provided, single submitter. Criteria: ACMG Guidelines, 2015. Collection method: clinical testing. Allele origin: germline.